The following is an entry in ClinVar:

ClinVar aggregate classification (germline): Uncertain significance. Review status: criteria provided, multiple submitters, no conflicts (2 of 4 stars). 2 submissions from 2 submitters: Uncertain significance (2). Last evaluated 2025-04-10.

Conditions:
Inborn genetic diseases. Identifiers: MedGen C0950123, MeSH D030342.

Allele frequency attached by ClinVar (database versions not stated): gnomAD 0.00001; ExAC 0.00002; TOPMed 0.00002; 1000 Genomes Project 0.00020; gnomAD exomes 0.00001; 1000 Genomes Project 30x 0.00016.

Submissions (2):

Ambry Genetics
Classification: Uncertain significance for Inborn genetic diseases. Last evaluated: 2025-04-10. Review status: criteria provided, single submitter. Criteria: Ambry Variant Classification Scheme 2023. Collection method: clinical testing. Allele origin: germline.

Labcorp Genetics (formerly Invitae), Labcorp
Classification: Uncertain significance. Last evaluated: 2021-08-23. Review status: criteria provided, single submitter. Criteria: Invitae Variant Classification Sherloc (09022015). Collection method: clinical testing. Allele origin: germline.
Comment: This sequence change replaces aspartic acid with asparagine at codon 737 of the PLOD3 protein (p.Asp737Asn). The aspartic acid residue is moderately conserved and there is a small physicochemical difference between aspartic acid and asparagine. This variant is present in population databases (rs534871539, ExAC 0.009%). This variant has not been reported in the literature in individuals affected with PLOD3-related conditions. Algorithms developed to predict the effect of missense changes on protein structure and function are either unavailable or do not agree on the potential impact of this missense change (SIFT: "Tolerated"; PolyPhen-2: "Probably Damaging"; Align-GVGD: "Class C0"). In summary, the available evidence is currently insufficient to determine the role of this variant in disease. Therefore, it has been classified as a Variant of Uncertain Significance.

NM_001084.5(PLOD3):c.2209G>A (p.Asp737Asn)

Gene: PLOD3 (procollagen-lysine,2-oxoglutarate 5-dioxygenase 3; minus strand). Cytogenetic location: 7q22.1.
Variant type: single nucleotide variant.
Coding change: c.2209G>A on transcript NM_001084.5 (MANE Select); coding-DNA position 2209, G replaced by A.
Protein change: p.Asp737Asn; replaces aspartic acid 737 with asparagine.
Molecular consequence: missense variant.
Genome position (GRCh38, 1-based): chr7:101,206,289, C>T on the plus strand (G>A on the coding strand, the complement: PLOD3 is on the minus strand). VCF-style: chr7-101206289-C-T. GRCh37 (hg19) VCF-style: chr7-100849570-C-T.
Other names: c.2209G>A (NM_001084.4); short protein forms D737N.
Identifiers: ClinVar variation 1378071 (VCV001378071.5), dbSNP rs534871539, ClinGen allele CA4407351.